The following is an entry in ClinVar:

NM_006393.3(NEBL):c.1195C>T (p.His399Tyr)

Gene: NEBL (nebulette; minus strand). Cytogenetic location: 10p12.31.
Variant type: single nucleotide variant.
Coding change: c.1195C>T on transcript NM_006393.3 (MANE Select); coding-DNA position 1195, C replaced by T.
Protein change: p.His399Tyr; replaces histidine 399 with tyrosine.
Molecular consequence: missense variant. On other transcripts: intron variant (9).
Genome position (GRCh38, 1-based): chr10:20,845,290, G>A on the plus strand (C>T on the coding strand, the complement: NEBL is on the minus strand). VCF-style: chr10-20845290-G-A. GRCh37 (hg19) VCF-style: chr10-21134219-G-A.
Other names: c.250-32350C>T (NM_001377326.1, NM_001377327.1, NM_001377328.1); c.358-32350C>T (NM_213569.2, NM_001173484.2, NM_001377322.1); c.301-32350C>T (NM_001377324.1); c.292-32350C>T (NM_001377325.1); c.310-32350C>T (NM_001377323.1); short protein forms H399Y.
Identifiers: ClinVar variation 2070803 (VCV002070803.4), dbSNP rs369621860, ClinGen allele CA5432953.

ClinVar aggregate classification (germline): Uncertain significance (1 of 4 stars; one submission).

Conditions:
Primary dilated cardiomyopathy (DCM). Also called: Dilated Cardiomyopathy. Identifiers: Orphanet 217604, MedGen C0007193, MeSH D002311, MONDO:0005021, HP:0001644. Inheritance: Various modes of inheritance.

Allele frequency attached by ClinVar (database versions not stated): TOPMed below 0.00001.

Submission:

Labcorp Genetics (formerly Invitae), Labcorp
Classification: Uncertain significance for Primary dilated cardiomyopathy. Last evaluated: 2022-02-08. Review status: criteria provided, single submitter. Criteria: Invitae Variant Classification Sherloc (09022015). Collection method: clinical testing. Allele origin: germline.
Comment: This sequence change replaces histidine, which is basic and polar, with tyrosine, which is neutral and polar, at codon 399 of the NEBL protein (p.His399Tyr). This variant is present in population databases (rs369621860, gnomAD 0.0009%). This variant has not been reported in the literature in individuals affected with NEBL-related conditions. Algorithms developed to predict the effect of missense changes on protein structure and function (SIFT, PolyPhen-2, Align-GVGD) all suggest that this variant is likely to be tolerated. In summary, the available evidence is currently insufficient to determine the role of this variant in disease. Therefore, it has been classified as a Variant of Uncertain Significance.